The following is an entry in ClinVar:

ClinVar aggregate classification (germline): Uncertain significance (1 of 4 stars; one submission).

Submission:

Labcorp Genetics (formerly Invitae), Labcorp
Classification: Uncertain significance. Last evaluated: 2020-03-24. Review status: criteria provided, single submitter. Criteria: Invitae Variant Classification Sherloc (09022015). Collection method: clinical testing. Allele origin: germline.
Comment: This sequence change replaces threonine with isoleucine at codon 913 of the MSH3 protein (p.Thr913Ile). The threonine residue is moderately conserved and there is a moderate physicochemical difference between threonine and isoleucine. This variant is not present in population databases (ExAC no frequency). In summary, the available evidence is currently insufficient to determine the role of this variant in disease. Therefore, it has been classified as a Variant of Uncertain Significance. Algorithms developed to predict the effect of missense changes on protein structure and function output the following: SIFT: "Deleterious"; PolyPhen-2: "Benign"; Align-GVGD: "Class C0". The isoleucine amino acid residue is found in multiple mammalian species, suggesting that this missense change does not adversely affect protein function. These predictions have not been confirmed by published functional studies and their clinical significance is uncertain. This variant has not been reported in the literature in individuals with MSH3-related conditions.

NM_002439.5(MSH3):c.2738C>T (p.Thr913Ile)

Gene: MSH3 (mutS homolog 3; plus strand). Cytogenetic location: 5q14.1.
Variant type: single nucleotide variant.
Coding change: c.2738C>T on transcript NM_002439.5 (MANE Select); coding-DNA position 2738, C replaced by T.
Protein change: p.Thr913Ile; replaces threonine 913 with isoleucine.
Molecular consequence: missense variant.
Genome position (GRCh38, 1-based): chr5:80,813,666, C>T. VCF-style: chr5-80813666-C-T. GRCh37 (hg19) VCF-style: chr5-80109485-C-T.
Other names: short protein forms T913I.
Identifiers: ClinVar variation 1011601 (VCV001011601.8), dbSNP rs145977077, ClinGen allele CA360273978.